The following is an entry in ClinVar:

NM_002137.4(HNRNPA2B1):c.510A>G (p.Ala170=)

Gene: HNRNPA2B1 (heterogeneous nuclear ribonucleoprotein A2/B1; minus strand). Cytogenetic location: 7p15.2.
Variant type: single nucleotide variant.
Coding change: c.510A>G on transcript NM_002137.4 (MANE Select); coding-DNA position 510, A replaced by G.
Protein change: p.Ala170=; no amino-acid change (alanine 170 retained).
Molecular consequence: synonymous variant.
Genome position (GRCh38, 1-based): chr7:26,196,624, T>C on the plus strand (A>G on the coding strand, the complement: HNRNPA2B1 is on the minus strand). VCF-style: chr7-26196624-T-C. GRCh37 (hg19) VCF-style: chr7-26236244-T-C.
Other names: c.546A>G, p.Ala182= (NM_031243.4).
Identifiers: ClinVar variation 1929451 (VCV001929451.6), dbSNP rs1033734956, ClinGen allele CA155914117.

ClinVar aggregate classification (germline): Likely benign. Review status: criteria provided, multiple submitters, no conflicts (2 of 4 stars). 2 submissions from 2 submitters: Likely benign (2). Last evaluated 2026-08-01.

Conditions:
Inclusion body myopathy with early-onset Paget disease with or without frontotemporal dementia 2 (IBMPFD2). Also called: MULTISYSTEM PROTEINOPATHY 2. Identifiers: MedGen C3809468, MONDO:0014178, OMIM 615422.

Allele frequency attached by ClinVar (database versions not stated): gnomAD exomes below 0.00001; gnomAD 0.00001.
gnomAD v4.1: 3 of 1,614,000 alleles (0.00019%); highest among the groups gnomAD compares: Admixed American, 0.0017%; no homozygotes.

Submissions (2):

CeGaT Center for Human Genetics Tuebingen
Classification: Likely benign. Last evaluated: 2026-08-01. Review status: criteria provided, single submitter. Criteria: CeGaT Center For Human Genetics Tuebingen Variant Classification Criteria Version 2. Collection method: clinical testing. Allele origin: germline. Affected: yes. Observed: 1 variant allele.
Comment: HNRNPA2B1: BP4, BP7

Labcorp Genetics (formerly Invitae), Labcorp
Classification: Likely benign for Inclusion body myopathy with early-onset Paget disease with or without frontotemporal dementia 2. Last evaluated: 2024-05-18. Review status: criteria provided, single submitter. Criteria: Invitae Variant Classification Sherloc (09022015). Collection method: clinical testing. Allele origin: germline.